The following is an entry in ClinVar:

ClinVar aggregate classification (germline): Uncertain significance. Review status: criteria provided, multiple submitters, no conflicts (2 of 4 stars). 2 submissions from 2 submitters: Uncertain significance (2). Last evaluated 2025-08-29.

Conditions:
Inborn genetic diseases. Identifiers: MedGen C0950123, MeSH D030342.
Epilepsy. Also called: Seizure disorder. Identifiers: MedGen C0014544, MeSH D004827, MONDO:0005027.

Allele frequency attached by ClinVar (database versions not stated): gnomAD 0.00001 and 0.00002; gnomAD exomes 0.00001 and 0.00003; TOPMed 0.00001; ExAC 0.00002.
gnomAD v4.1: 42 of 1,609,998 alleles (0.0026%); highest among the groups gnomAD compares: Non-Finnish European, 0.0031%; no homozygotes.

Submissions (2):

Ambry Genetics
Classification: Uncertain significance for Inborn genetic diseases. Last evaluated: 2025-08-29. Review status: criteria provided, single submitter. Criteria: Ambry Variant Classification Scheme 2023. Collection method: clinical testing. Allele origin: germline.

Labcorp Genetics (formerly Invitae), Labcorp
Classification: Uncertain significance for Epilepsy. Last evaluated: 2022-02-04. Review status: criteria provided, single submitter. Criteria: Invitae Variant Classification Sherloc (09022015). Collection method: clinical testing. Allele origin: germline.
Comment: This sequence change replaces serine, which is neutral and polar, with leucine, which is neutral and non-polar, at codon 13 of the PIGQ protein (p.Ser13Leu). This variant is present in population databases (rs755870667, gnomAD 0.007%). This variant has not been reported in the literature in individuals affected with PIGQ-related conditions. Algorithms developed to predict the effect of missense changes on protein structure and function (SIFT, PolyPhen-2, Align-GVGD) all suggest that this variant is likely to be tolerated. In summary, the available evidence is currently insufficient to determine the role of this variant in disease. Therefore, it has been classified as a Variant of Uncertain Significance.

NM_004204.5(PIGQ):c.38C>T (p.Ser13Leu)

Gene: PIGQ (phosphatidylinositol glycan anchor biosynthesis class Q; plus strand). Cytogenetic location: 16p13.3.
Variant type: single nucleotide variant.
Coding change: c.38C>T on transcript NM_004204.5 (MANE Select); coding-DNA position 38, C replaced by T.
Protein change: p.Ser13Leu; replaces serine 13 with leucine.
Molecular consequence: missense variant.
Genome position (GRCh38, 1-based): chr16:574,112, C>T. VCF-style: chr16-574112-C-T. GRCh37 (hg19) VCF-style: chr16-624112-C-T.
Other names: c.38C>T (NM_148920.1); c.38C>T, p.Ser13Leu (NM_148920.4); short protein forms S13L.
Identifiers: ClinVar variation 1361524 (VCV001361524.6), dbSNP rs755870667, ClinGen allele CA7779758.
Genomic context (GRCh38, chr16:574,112, plus strand): 5'-CTCTTCTCTTCCAGCCTCCCGGCATGGTGCTCAAGGCCTTCTTCCCCACGTGCTGCGTCT[C>T]GACGGACAGCGGGCTGCTGGTGGGACGGTGGGTGCCGGAGCAGAGCAGCGCCGTGGTCCT-3'
Protein context (NP_004195.2, residues 3-23): LKAFFPTCCV[Ser13Leu]TDSGLLVGRW